The following is an entry in ClinVar:

NM_013275.6(ANKRD11):c.5325C>T (p.Ala1775=)

Gene: ANKRD11 (ankyrin repeat domain 11; minus strand). Cytogenetic location: 16q24.3.
Variant type: single nucleotide variant.
Coding change: c.5325C>T on transcript NM_013275.6 (MANE Select); coding-DNA position 5325, C replaced by T.
Protein change: p.Ala1775=; no amino-acid change (alanine 1775 retained).
Molecular consequence: synonymous variant.
Genome position (GRCh38, 1-based): chr16:89,281,217, G>A on the plus strand (C>T on the coding strand, the complement: ANKRD11 is on the minus strand). VCF-style: chr16-89281217-G-A. GRCh37 (hg19) VCF-style: chr16-89347625-G-A.
Other names: c.5325C>T (NM_013275.4); c.5325C>T, p.Ala1775= (NM_001256182.2, NM_001256183.2).
Identifiers: ClinVar variation 3389083 (VCV003389083.15).

ClinVar aggregate classification (germline): Likely benign. Review status: criteria provided, multiple submitters, no conflicts (2 of 4 stars). 2 submissions from 2 submitters: Likely benign (2). Last evaluated 2026-04-27.

Conditions:
Inborn genetic diseases. Identifiers: MedGen C0950123, MeSH D030342.

gnomAD v4.1: 87 of 1,614,122 alleles (0.0054%); highest among the groups gnomAD compares: Non-Finnish European, 0.0067%; no homozygotes.

Submissions (2):

Ambry Genetics
Classification: Likely benign for Inborn genetic diseases. Last evaluated: 2026-04-27. Review status: criteria provided, single submitter. Criteria: Ambry Variant Classification Scheme 2023. Collection method: clinical testing. Allele origin: germline.

CeGaT Center for Human Genetics Tuebingen
Classification: Likely benign. Last evaluated: 2024-11-01. Review status: criteria provided, single submitter. Criteria: CeGaT Center For Human Genetics Tuebingen Variant Classification Criteria Version 2. Collection method: clinical testing. Allele origin: germline. Affected: yes. Observed: 1 variant allele.
Comment: ANKRD11: BP4, BP7